The following is an entry in ClinVar:

ClinVar aggregate classification (germline): Pathogenic (1 of 4 stars; one submission).

Conditions:
VPS13A-related neurodegenerative disease. Also called: ACANTHOCYTOSIS WITH NEUROLOGIC DISORDER; LEVINE-CRITCHLEY SYNDROME; Choreoacanthocytosis; Chorea-acanthocytosis; Choreaacanthocytosis; VPS13A Disease. Identifiers: Orphanet 2388, MedGen C0393576, MONDO:0008695, OMIM 200150.

Submission:

Myriad Genetics, Inc.
Classification: Pathogenic for VPS13A-related neurodegenerative disease. Last evaluated: 2023-11-23. Review status: criteria provided, single submitter. Criteria: Myriad Autosomal Dominant, Autosomal Recessive and X-Linked Classification Criteria (2023). Collection method: clinical testing. Allele origin: unknown.
Comment: NM_033305.2(VPS13A):c.2069delA(D690Vfs*2) is expected to be pathogenic in the context of VPS13A disease. This variant is predicted to lead to an abnormal or absent protein product due to the creation of a premature termination codon in VPS13A, a gene where loss-of-function variants are known to be pathogenic. Please note: this variant was assessed in the context of healthy population screening.

NM_033305.3(VPS13A):c.2069del (p.Asp690fs)

Gene: VPS13A (vacuolar protein sorting 13 homolog A; plus strand). Cytogenetic location: 9q21.2.
Variant type: Deletion.
Coding change: c.2069del on transcript NM_033305.3 (MANE Select); coding-DNA position 2069, one base deleted (A; older notation c.2069delA).
Protein change: p.Asp690fs; shifts the reading frame from aspartic acid 690.
Molecular consequence: frameshift variant.
Genome position (GRCh38, 1-based): chr9:77,250,128, A deleted. VCF-style (leftmost placement, unchanged base first): chr9-77250127-GA-G. GRCh37 (hg19) VCF-style: chr9-79865043-GA-G.
Other names: c.2069del, p.Asp690fs (NM_001018037.2, NM_001018038.3, NM_015186.4); short protein forms D690fs.
Identifiers: ClinVar variation 5012517 (VCV005012517.1).
Genomic context (GRCh38, chr9:77,250,127, plus strand): 5'-ATAGTCTAAACTATTAAAATTAACTTGAAGGTGACGAGTAAAAGTCGTTCTGAATTACCA[GA>G]TGTGAAACAAGGTGAGGCCAATCTTAAAGAGATAATGGATAGAGCTTATGATTCATTTGA-3'